The following is an entry in ClinVar:

NM_003560.4(PLA2G6):c.1061T>C (p.Leu354Pro)

Gene: PLA2G6 (phospholipase A2 group VI; minus strand). Cytogenetic location: 22q13.1.
Variant type: single nucleotide variant.
Coding change: c.1061T>C on transcript NM_003560.4 (MANE Select); coding-DNA position 1061, T replaced by C.
Protein change: p.Leu354Pro; replaces leucine 354 with proline.
Molecular consequence: missense variant.
Genome position (GRCh38, 1-based): chr22:38,132,847, A>G on the plus strand (T>C on the coding strand, the complement: PLA2G6 is on the minus strand). VCF-style: chr22-38132847-A-G. GRCh37 (hg19) VCF-style: chr22-38528854-A-G.
Other names: c.1061T>C, p.Leu354Pro (NM_001004426.3, NM_001199562.3, NM_001349864.2 and 2 more transcripts); c.527T>C, p.Leu176Pro (NM_001349867.2, NM_001349869.2); c.383T>C, p.Leu128Pro (NM_001349868.2); short protein forms L128P, L176P, L354P.
Identifiers: ClinVar variation 846843 (VCV000846843.14), dbSNP rs1403125636, ClinGen allele CA411530640.

ClinVar aggregate classification (germline): Pathogenic. Review status: criteria provided, multiple submitters, no conflicts (2 of 4 stars). 4 submissions from 4 submitters: Pathogenic (2). 2 of the submissions do not count toward it. Last evaluated 2025-10-23.

Conditions:
Neurodegeneration with brain iron accumulation (NBIA). Identifiers: Orphanet 385, MedGen C2931845, MONDO:0018307.
Infantile neuroaxonal dystrophy (NBIA2A). Also called: NEURODEGENERATION WITH BRAIN IRON ACCUMULATION 2A; SEITELBERGER DISEASE; Infantile neuroaxonal dystrophy 1. Identifiers: Orphanet 35069, MedGen C0270724, MONDO:0024457, OMIM 256600.
Neurodegeneration with brain iron accumulation 2B. Also called: NEUROAXONAL DYSTROPHY, ATYPICAL; NEURODEGENERATION WITH BRAIN IRON ACCUMULATION, PLA2G6-RELATED; aNAD; atypical Neuroaxonal Dystrophy (aNAD). Identifiers: Orphanet 35069, MedGen C1857747, MONDO:0012444, OMIM 610217.
Autosomal recessive Parkinson disease 14. Also called: PARKINSON DISEASE 14; DYSTONIA-PARKINSONISM, ADULT-ONSET. Identifiers: Orphanet 199351, MedGen C2751842, MONDO:0013060, OMIM 612953.

Allele frequency attached by ClinVar (database versions not stated): gnomAD exomes 0.00001; TOPMed below 0.00001; gnomAD 0.00001.
gnomAD v4.1: 13 of 1,548,912 alleles (0.00084%); highest among the groups gnomAD compares: Admixed American, 0.0019%; no homozygotes.

Submissions (4):

Labcorp Genetics (formerly Invitae), Labcorp
Classification: Pathogenic for Infantile neuroaxonal dystrophy. Last evaluated: 2025-10-23. Review status: criteria provided, single submitter. Criteria: Invitae Variant Classification Sherloc (09022015). Collection method: clinical testing. Allele origin: germline.
Comment: This sequence change replaces leucine, which is neutral and non-polar, with proline, which is neutral and non-polar, at codon 354 of the PLA2G6 protein (p.Leu354Pro). This variant is not present in population databases (gnomAD no frequency). This missense change has been observed in individual(s) with PLA2G6-related conditions (PMID: 18799783, 20619503; internal data). In at least one individual the data is consistent with being in trans (on the opposite chromosome) from a pathogenic variant. ClinVar contains an entry for this variant (Variation ID: 846843). Invitae Evidence Modeling of protein sequence and biophysical properties (such as structural, functional, and spatial information, amino acid conservation, physicochemical variation, residue mobility, and thermodynamic stability) indicates that this missense variant is expected to disrupt PLA2G6 protein function with a positive predictive value of 80%. For these reasons, this variant has been classified as Pathogenic.

Women's Health and Genetics/Laboratory Corporation of America, LabCorp
Classification: Pathogenic for Neurodegeneration with brain iron accumulation. Last evaluated: 2025-07-11. Review status: criteria provided, single submitter. Criteria: LabCorp Variant Classification Summary - May 2015. Collection method: clinical testing. Allele origin: germline.
Comment: Variant summary: PLA2G6 c.1061T>C (p.Leu354Pro) results in a non-conservative amino acid change in the encoded protein sequence. Algorithms developed to predict the effect of missense changes on protein structure and function all suggest that this variant is likely to be disruptive. The frequency data for this variant in gnomAD is considered unreliable, as metrics indicate poor data quality at this position. c.1061T>C has been observed in multiple individuals affected with Neurodegeneration With Brain Iron Accumulation (Morgan_2006, Paisan-Ruiz_2012, Gregory_2008). These data indicate that the variant is very likely to be associated with disease. To our knowledge, no experimental evidence demonstrating an impact on protein function has been reported. The following publications have been ascertained in the context of this evaluation (PMID: 18799783, 16783378, 20619503). ClinVar contains an entry for this variant (Variation ID: 846843). Based on the evidence outlined above, the variant was classified as pathogenic.

Solve-RD Consortium
Classification: Likely pathogenic for Neurodegeneration with brain iron accumulation 2B. Last evaluated: 2022-06-01. Review status: no assertion criteria provided. Collection method: provider interpretation. Allele origin: inherited. Affected: yes. Not counted in ClinVar's aggregate classification.
Comment: Variant confirmed as disease-causing by referring clinical team

Variant identified during reanalysis of unsolved cases by the Solve-RD project. The Solve-RD project has received funding from the European Union’s Horizon 2020 research and innovation programme under grant agreement No 779257.

Genomics England Pilot Project, Genomics England
Classification: Likely pathogenic for Autosomal recessive Parkinson disease 14. Review status: no assertion criteria provided. Criteria: ACGS Guidelines, 2016. Collection method: clinical testing. Allele origin: germline. Affected: yes. Not counted in ClinVar's aggregate classification.

Literature cited by the submitters: PubMed 18799783 (cited by Labcorp Genetics (formerly Invitae), Labcorp and Women's Health and Genetics/Laboratory Corporation of America, LabCorp); PubMed 20619503 (cited by Labcorp Genetics (formerly Invitae), Labcorp and Women's Health and Genetics/Laboratory Corporation of America, LabCorp); PubMed 16783378 (cited by Women's Health and Genetics/Laboratory Corporation of America, LabCorp); PubMed 39825153 (cited by Solve-RD Consortium).